The following is an entry in ClinVar:

ClinVar aggregate classification (germline): Uncertain significance (1 of 4 stars; one submission).

Conditions:
Inborn genetic diseases. Identifiers: MedGen C0950123, MeSH D030342.

Submission:

Ambry Genetics
Classification: Uncertain significance for Inborn genetic diseases. Last evaluated: 2026-05-14. Review status: criteria provided, single submitter. Criteria: Ambry Variant Classification Scheme 2023. Collection method: clinical testing. Allele origin: germline.
Comment: The p.L5M variant (also known as c.13C>A), located in coding exon 1 of the G6PC3 gene, results from a C to A substitution at nucleotide position 13. The leucine at codon 5 is replaced by methionine, an amino acid with highly similar properties. This amino acid position is conserved. In addition, this alteration is predicted to be tolerated by in silico analysis. Based on the available evidence, the clinical significance of this variant remains unclear.

NM_138387.4(G6PC3):c.13C>A (p.Leu5Met)

Gene: G6PC3 (glucose-6-phosphatase catalytic subunit 3; plus strand). Cytogenetic location: 17q21.31.
Variant type: single nucleotide variant.
Coding change: c.13C>A on transcript NM_138387.4 (MANE Select); coding-DNA position 13, C replaced by A.
Protein change: p.Leu5Met; replaces leucine 5 with methionine.
Molecular consequence: missense variant. On other transcripts: 5 prime UTR variant (3), intron variant (1).
Genome position (GRCh38, 1-based): chr17:44,070,978, C>A. VCF-style: chr17-44070978-C-A. GRCh37 (hg19) VCF-style: chr17-42148346-C-A.
Other names: c.13C>A, p.Leu5Met (NM_001319945.2); c.-392C>A (NM_001384165.1); c.-527C>A (NM_001384166.1); c.-517C>A (NM_001384167.1); c.-312+264C>A (NM_001384168.1); short protein forms L5M.
Identifiers: ClinVar variation 4871597 (VCV004871597.1).
Genomic context (GRCh38, chr17:44,070,978, plus strand): 5'-GGTTTCCGCCCTGGAGCAAGCCGGGGCCTGGTCGGCAGCTGGGCCGCCATGGAGTCCACG[C>A]TGGGCGCGGGCATCGTGATAGCCGAGGCGCTACAGAACCAGCTAGCCTGGCTGGAGAACG-3'
Protein context (NP_612396.1, residues 1-15): MEST[Leu5Met]GAGIVIAEAL